The following is an entry in ClinVar:

NM_004168.4(SDHA):c.1328G>C (p.Cys443Ser)

Gene: SDHA (succinate dehydrogenase complex flavoprotein subunit A; plus strand). Cytogenetic location: 5p15.33.
Variant type: single nucleotide variant.
Coding change: c.1328G>C on transcript NM_004168.4 (MANE Select); coding-DNA position 1328, G replaced by C.
Protein change: p.Cys443Ser; replaces cysteine 443 with serine.
Molecular consequence: missense variant.
Genome position (GRCh38, 1-based): chr5:236,495, G>C. VCF-style: chr5-236495-G-C. GRCh37 (hg19) VCF-style: chr5-236610-G-C.
Other names: c.1184G>C, p.Cys395Ser (NM_001294332.2); c.1328G>C, p.Cys443Ser (NM_001330758.2); short protein forms C395S, C443S.
Identifiers: ClinVar variation 4161166 (VCV004161166.1).

ClinVar aggregate classification (germline): Uncertain significance (1 of 4 stars; one submission).

Conditions:
Hereditary cancer-predisposing syndrome. Also called: Neoplastic Syndromes, Hereditary; Tumor predisposition; Hereditary Cancer Syndrome; Hereditary neoplastic syndrome. Identifiers: Orphanet 140162, MedGen C0027672, MeSH D009386, MONDO:0015356.

Submission:

Ambry Genetics
Classification: Uncertain significance for Hereditary cancer-predisposing syndrome. Last evaluated: 2025-06-30. Review status: criteria provided, single submitter. Criteria: Ambry Variant Classification Scheme 2023. Collection method: clinical testing. Allele origin: germline.
Comment: The p.C443S variant (also known as c.1328G>C), located in coding exon 10 of the SDHA gene, results from a G to C substitution at nucleotide position 1328. The cysteine at codon 443 is replaced by serine, an amino acid with dissimilar properties. This amino acid position is conserved. In addition, this alteration is predicted to be tolerated by in silico analysis. Based on the available evidence, the clinical significance of this variant remains unclear.